The following is an entry in ClinVar:

ClinVar aggregate classification (germline): Benign. Review status: criteria provided, single submitter (1 of 4 stars). 3 submissions from 1 submitter: Benign (3). Last evaluated 2018-01-12.

Conditions:
LEOPARD syndrome 1 (LPRD1). Also called: LENTIGINOSIS, CARDIOMYOPATHIC; MULTIPLE LENTIGINES SYNDROME; PTPN11-Related LEOPARD Syndrome. Identifiers: Orphanet 500, MedGen C4551484, MONDO:0100082, OMIM 151100.
Metachondromatosis (METCDS). Identifiers: Orphanet 2499, MedGen C0410530, MONDO:0007979, OMIM 156250.
Noonan syndrome 1 (NS1). Also called: TURNER PHENOTYPE WITH NORMAL KARYOTYPE; PTPN11-Related Noonan Syndrome; FEMALE PSEUDO-TURNER SYNDROME. Identifiers: Orphanet 648, MedGen C4551602, MONDO:0008104, OMIM 163950. Disease mechanism: gain of function.

Allele frequency attached by ClinVar (database versions not stated): gnomAD 0.00783 and 0.00828; TOPMed 0.00843; 1000 Genomes Project 30x 0.00890; 1000 Genomes Project 0.00899.

Submissions (3):

Illumina Laboratory Services, Illumina
Classification: Benign for Metachondromatosis. Last evaluated: 2018-01-12. Review status: criteria provided, single submitter. Criteria: ICSL Variant Classification Criteria 13 December 2019. Collection method: clinical testing. Allele origin: germline.
Comment: This variant was observed in the ICSL laboratory as part of a predisposition screen in an ostensibly healthy population. It had not been previously curated by ICSL or reported in the Human Gene Mutation Database (HGMD: prior to June 1st, 2018), and was therefore a candidate for classification through an automated scoring system. Utilizing variant allele frequency, disease prevalence and penetrance estimates, and inheritance mode, an automated score was calculated to assess if this variant is too frequent to cause the disease. Based on the score and internal cut-off values, a variant classified as benign is not then subjected to further curation. The score for this variant resulted in a classification of benign for this disease.

Illumina Laboratory Services, Illumina
Classification: Benign for LEOPARD syndrome 1. Last evaluated: 2018-01-12. Review status: criteria provided, single submitter. Criteria: ICSL Variant Classification Criteria 13 December 2019. Collection method: clinical testing. Allele origin: germline.
Comment: the same text as in the submission from Illumina Laboratory Services, Illumina above.

Illumina Laboratory Services, Illumina
Classification: Benign for Noonan syndrome 1. Last evaluated: 2018-01-12. Review status: criteria provided, single submitter. Criteria: ICSL Variant Classification Criteria 13 December 2019. Collection method: clinical testing. Allele origin: germline.
Comment: the same text as in the submission from Illumina Laboratory Services, Illumina above.

NM_002834.5(PTPN11):c.*2927T>A

Gene: PTPN11 (protein tyrosine phosphatase non-receptor type 11; plus strand). Cytogenetic location: 12q24.13.
Variant type: single nucleotide variant.
Coding change: c.*2927T>A on transcript NM_002834.5 (MANE Select); 2927 bases downstream of the stop codon, T replaced by A.
Molecular consequence: 3 prime UTR variant.
Genome position (GRCh38, 1-based): chr12:112,508,719, T>A. VCF-style: chr12-112508719-T-A. GRCh37 (hg19) VCF-style: chr12-112946523-T-A.
Other names: c.*2927T>A (NM_001330437.2, NM_001374625.1).
Identifiers: ClinVar variation 307256 (VCV000307256.5), dbSNP rs190612693, ClinGen allele CA10640267.